The following is an entry in ClinVar:

ClinVar aggregate classification (germline): Uncertain significance. Review status: criteria provided, multiple submitters, no conflicts (2 of 4 stars). 4 submissions from 4 submitters: Uncertain significance (4). Last evaluated 2025-01-05.

Conditions:
AHI1-related disorder. Also called: AHI1-related condition.
Joubert syndrome 3 (JBTS3). Also called: AHI1-related Ciliopathy. Identifiers: Orphanet 220493, MedGen C1837713, MONDO:0012078, OMIM 608629.
Joubert syndrome. Also called: Familial aplasia of the vermis; JOUBERT-BOLTSHAUSER SYNDROME. Identifiers: Orphanet 475, MedGen C5979921, MONDO:0018772.

Allele frequency attached by ClinVar (database versions not stated): ExAC 0.00001; gnomAD 0.00001 and 0.00007; gnomAD exomes 0.00001; 1000 Genomes Project 30x 0.00031; 1000 Genomes Project 0.00040.
gnomAD v4.1: 19 of 1,613,888 alleles (0.0012%); highest among the groups gnomAD compares: African/African-American, 0.023%; 2 homozygotes.

Submissions (4):

PreventionGenetics, part of Exact Sciences
Classification: Uncertain significance for AHI1-related condition. Last evaluated: 2025-01-05. Review status: criteria provided, single submitter. Criteria: ACMG Guidelines, 2015. Collection method: clinical testing. Allele origin: germline.
Comment: The AHI1 c.362A>G variant is predicted to result in the amino acid substitution p.Lys121Arg. To our knowledge, this variant has not been reported in the literature. This variant is present in 0.0065% of alleles in individuals of African descent in gnomAD. At this time, the clinical significance of this variant is uncertain due to the absence of conclusive functional and genetic evidence.

Labcorp Genetics (formerly Invitae), Labcorp
Classification: Uncertain significance for Joubert syndrome. Last evaluated: 2023-12-07. Review status: criteria provided, single submitter. Criteria: Invitae Variant Classification Sherloc (09022015). Collection method: clinical testing. Allele origin: germline.
Comment: This sequence change replaces lysine, which is basic and polar, with arginine, which is basic and polar, at codon 121 of the AHI1 protein (p.Lys121Arg). This variant is present in population databases (rs140836078, gnomAD 0.007%). This variant has not been reported in the literature in individuals affected with AHI1-related conditions. ClinVar contains an entry for this variant (Variation ID: 1029631). Advanced modeling of protein sequence and biophysical properties (such as structural, functional, and spatial information, amino acid conservation, physicochemical variation, residue mobility, and thermodynamic stability) performed at Invitae indicates that this missense variant is not expected to disrupt AHI1 protein function with a negative predictive value of 95%. In summary, the available evidence is currently insufficient to determine the role of this variant in disease. Therefore, it has been classified as a Variant of Uncertain Significance.

Fulgent Genetics
Classification: Uncertain significance for Joubert syndrome 3. Last evaluated: 2022-03-31. Review status: criteria provided, single submitter. Criteria: ACMG Guidelines, 2015. Collection method: clinical testing. Allele origin: unknown.

Baylor Genetics
Classification: Uncertain significance for Joubert syndrome 3. Last evaluated: 2020-02-07. Review status: criteria provided, single submitter. Criteria: ACMG Guidelines, 2015. Collection method: clinical testing. Allele origin: unknown. Affected: yes.
Comment: This variant was determined to be of uncertain significance according to ACMG Guidelines, 2015 [PMID:25741868].

NM_001134831.2(AHI1):c.362A>G (p.Lys121Arg)

Gene: AHI1 (Abelson helper integration site 1; minus strand). Cytogenetic location: 6q23.3.
Variant type: single nucleotide variant.
Coding change: c.362A>G on transcript NM_001134831.2 (MANE Select); coding-DNA position 362, A replaced by G.
Protein change: p.Lys121Arg; replaces lysine 121 with arginine.
Molecular consequence: missense variant.
Genome position (GRCh38, 1-based): chr6:135,466,201, T>C on the plus strand (A>G on the coding strand, the complement: AHI1 is on the minus strand). VCF-style: chr6-135466201-T-C. GRCh37 (hg19) VCF-style: chr6-135787339-T-C.
Other names: c.362A>G, p.Lys121Arg (NM_001134830.2, NM_001134832.2, NM_001350503.2 and 2 more transcripts); short protein forms K121R.
Identifiers: ClinVar variation 1029631 (VCV001029631.6), dbSNP rs140836078, ClinGen allele CA4012843.